The following is an entry in ClinVar:

ClinVar aggregate classification (germline): Uncertain significance (1 of 4 stars; one submission).

Conditions:
Beta-D-mannosidosis (MANSB). Also called: MANNOSIDOSIS, BETA A, LYSOSOMAL; BETA-MANNOSIDASE DEFICIENCY; LYSOSOMAL BETA-MANNOSIDASE DEFICIENCY; Beta-Mannosidosis. Identifiers: Orphanet 118, MedGen C4048196, MONDO:0009562, OMIM 248510.

Allele frequency attached by ClinVar (database versions not stated): TOPMed 0.00001; ExAC 0.00001; gnomAD 0.00001; gnomAD exomes 0.00001.
gnomAD v4.1: 9 of 1,608,574 alleles (0.00056%); highest among the groups gnomAD compares: Non-Finnish European, 0.00077%; no homozygotes.

Submission:

Labcorp Genetics (formerly Invitae), Labcorp
Classification: Uncertain significance for Beta-D-mannosidosis. Last evaluated: 2022-03-19. Review status: criteria provided, single submitter. Criteria: Invitae Variant Classification Sherloc (09022015). Collection method: clinical testing. Allele origin: germline.
Comment: This sequence change replaces isoleucine, which is neutral and non-polar, with lysine, which is basic and polar, at codon 451 of the MANBA protein (p.Ile451Lys). This variant is present in population databases (rs776221446, gnomAD 0.002%). This variant has not been reported in the literature in individuals affected with MANBA-related conditions. Algorithms developed to predict the effect of missense changes on protein structure and function (SIFT, PolyPhen-2, Align-GVGD) all suggest that this variant is likely to be disruptive. In summary, the available evidence is currently insufficient to determine the role of this variant in disease. Therefore, it has been classified as a Variant of Uncertain Significance.

NM_005908.4(MANBA):c.1352T>A (p.Ile451Lys)

Gene: MANBA (mannosidase beta; minus strand). Cytogenetic location: 4q24.
Variant type: single nucleotide variant.
Coding change: c.1352T>A on transcript NM_005908.4 (MANE Select); coding-DNA position 1352, T replaced by A.
Protein change: p.Ile451Lys; replaces isoleucine 451 with lysine.
Molecular consequence: missense variant.
Genome position (GRCh38, 1-based): chr4:102,664,818, A>T on the plus strand (T>A on the coding strand, the complement: MANBA is on the minus strand). VCF-style: chr4-102664818-A-T. GRCh37 (hg19) VCF-style: chr4-103585975-A-T.
Other names: short protein forms I451K.
Identifiers: ClinVar variation 2063291 (VCV002063291.1), dbSNP rs776221446, ClinGen allele CA3026926.